The following is an entry in ClinVar:

NM_001080476.3(GRXCR1):c.649A>G (p.Met217Val)

Gene: GRXCR1 (glutaredoxin and cysteine rich domain containing 1; plus strand). Cytogenetic location: 4p13.
Variant type: single nucleotide variant.
Coding change: c.649A>G on transcript NM_001080476.3 (MANE Select); coding-DNA position 649, A replaced by G.
Protein change: p.Met217Val; replaces methionine 217 with valine.
Molecular consequence: missense variant.
Genome position (GRCh38, 1-based): chr4:43,020,375, A>G. VCF-style: chr4-43020375-A-G. GRCh37 (hg19) VCF-style: chr4-43022392-A-G.
Other names: short protein forms M217V.
Identifiers: ClinVar variation 3343728 (VCV003343728.1).

ClinVar aggregate classification (germline): Uncertain significance (1 of 4 stars; one submission).

gnomAD v4.1: 1 of 1,612,206 alleles (0.000062%); highest among the groups gnomAD compares: Non-Finnish European, 0.000085%; no homozygotes.

Submission:

GeneDx
Classification: Uncertain significance. Last evaluated: 2023-05-22. Review status: criteria provided, single submitter. Criteria: GeneDx Variant Classification Process June 2021. Collection method: clinical testing. Allele origin: germline. Affected: yes.
Comment: Not observed at significant frequency in large population cohorts (gnomAD); In silico analysis supports that this missense variant does not alter protein structure/function; Has not been previously published as pathogenic or benign to our knowledge